The following is an entry in ClinVar:

NM_001378454.1(ALMS1):c.36GGA[21] (p.Glu21_Glu28dup)

Gene: ALMS1 (ALMS1 centrosome and basal body associated protein; plus strand). Cytogenetic location: 2p13.1.
Variant type: Microsatellite.
Coding change: c.36GGA[21] on transcript NM_001378454.1 (MANE Select); 21 copies in a row of the 3-base unit GGA starting at c.36; the reference has 13 copies in a row; eight copies, 24 bases duplicated.
Protein change: p.Glu21_Glu28dup.
Molecular consequence: inframe insertion.
Genome position (GRCh38, 1-based): chr2:73,385,919-73,385,942, GGAGGAGGAGGAGGAGGAGGAGGA duplicated; duplicating any 24 consecutive bases within chr2:73,385,904-73,385,942 gives the same sequence; the position shown is the placement nearest the transcript's 3' end. VCF-style (leftmost placement, unchanged base first): chr2-73385903-T-TGGAGGAGGAGGAGGAGGAGGAGGA. GRCh37 (hg19) VCF-style: chr2-73613031-T-TGGAGGAGGAGGAGGAGGAGGAGGA.
Other names: c.36GGA[22], p.Glu22_Glu29dup (NM_015120.4); c.54_74dup21 (NM_015120.4).
Identifiers: ClinVar variation 917603 (VCV000917603.5), dbSNP rs55889738, ClinGen allele CA1032199638.
Genomic context (GRCh38, chr2:73,385,903, plus strand): 5'-TCTGCCGCCCAGAGCGAGACACCAACATGGAGCCCGAGGATCTGCCATGGCCGGGCGAGC[T>TGGAGGAGGAGGAGGAGGAGGAGGA]GGAGGAGGAGGAGGAGGAGGAGGAGGAGGAGGAGGAGGAAGAGGAGGAGGCTGCAGCGGC-3'

ClinVar aggregate classification (germline): Conflicting classifications of pathogenicity. Review status: criteria provided, conflicting classifications (1 of 4 stars). 3 submissions from 3 submitters: Uncertain significance (2); Likely benign (1). Last evaluated 2023-06-23.

Conditions:
ALMS1-related disorder. Also called: ALMS1-related condition.
Alstrom syndrome (ALMS). Identifiers: Orphanet 64, MedGen C0268425, MONDO:0008763, OMIM 203800.

Submissions (3):

PreventionGenetics, part of Exact Sciences
Classification: Uncertain significance for ALMS1-related condition. Last evaluated: 2023-06-23. Review status: criteria provided, single submitter. Criteria: ACMG Guidelines, 2015. Collection method: clinical testing. Allele origin: germline.
Comment: The ALMS1 c.54_74dup21 variant is predicted to result in an in-frame duplication (p.Glu22_Glu28dup). To our knowledge, this variant has not been reported in the literature or in a large population database, indicating this variant is rare. At this time, the clinical significance of this variant is uncertain due to the absence of conclusive functional and genetic evidence.

Labcorp Genetics (formerly Invitae), Labcorp
Classification: Uncertain significance for Alstrom syndrome. Last evaluated: 2022-06-04. Review status: criteria provided, single submitter. Criteria: Invitae Variant Classification Sherloc (09022015). Collection method: clinical testing. Allele origin: germline.
Comment: Experimental studies and prediction algorithms are not available or were not evaluated, and the functional significance of this variant is currently unknown. This variant has not been reported in the literature in individuals affected with ALMS1-related conditions. This variant is not present in population databases (gnomAD no frequency). This variant, c.54_77dup, results in the insertion of 8 amino acid(s) of the ALMS1 protein (p.Glu22_Glu29dup), but otherwise preserves the integrity of the reading frame. In summary, the available evidence is currently insufficient to determine the role of this variant in disease. Therefore, it has been classified as a Variant of Uncertain Significance.

Women's Health and Genetics/Laboratory Corporation of America, LabCorp
Classification: Likely benign. Last evaluated: 2020-01-06. Review status: criteria provided, single submitter. Criteria: LabCorp Variant Classification Summary - May 2015. Collection method: clinical testing. Allele origin: germline.
Comment: Variant summary: The ALMS1 variant, c.54_74dup21 (p.Glu22_Glu28dup) is located in a Glu repetitive region (Glu13_Glu28). The variant was absent in 83366 control chromosomes (gnomAD). The available data on variant occurrences in the general population are insufficient to allow any conclusion about variant significance. No variants located in this Glu repetitive region were reported in HGMD database and other variants (including deletion and duplication) located in this repetitive region were reported in LOVD database and classified as likely benign/benign. In addition, other duplication variants (p.Glu26_Glu28dup, p.Glu23_Glu24dup, p.Glu24dup) located in this Glu repetitive region have been classified as benign by our laboratory. To our knowledge, no occurrence of c.54_74dup21 in individuals affected with Cardiomyopathy and no experimental evidence demonstrating its impact on protein function have been reported. No clinical diagnostic laboratories have submitted clinical-significance assessments for this variant to ClinVar after 2014. Based on the evidence outlined above, the variant was classified as likely benign.